The following is an entry in ClinVar:

ClinVar aggregate classification (germline): Uncertain significance (1 of 4 stars; one submission).

gnomAD v4.1: 1 of 1,613,462 alleles (0.000062%); no homozygotes.

Submission:

GeneDx
Classification: Uncertain significance. Last evaluated: 2024-06-14. Review status: criteria provided, single submitter. Criteria: GeneDx Variant Classification Process June 2021. Collection method: clinical testing. Allele origin: germline. Affected: yes.
Comment: Not observed at significant frequency in large population cohorts (gnomAD); In silico analysis supports that this missense variant has a deleterious effect on protein structure/function; Has not been previously published as pathogenic or benign to our knowledge

NM_001077350.3(NPRL3):c.1036T>G (p.Ser346Ala)

Genes: HBA-LCR (alpha-globin locus control region; plus strand), NPRL3 (NPR3 like, GATOR1 complex subunit; minus strand). Cytogenetic location: 16p13.3.
Variant type: single nucleotide variant.
Coding change: c.1036T>G on transcript NM_001077350.3 (MANE Select); coding-DNA position 1036, T replaced by G.
Protein change: p.Ser346Ala; replaces serine 346 with alanine.
Molecular consequence: missense variant.
Genome position (GRCh38, 1-based): chr16:92,721, A>C on the plus strand (T>G on the coding strand, the complement: NPRL3 is on the minus strand). VCF-style: chr16-92721-A-C. GRCh37 (hg19) VCF-style: chr16-142719-A-C.
Other names: c.499T>G, p.Ser167Ala (NM_001039476.3); c.802T>G, p.Ser268Ala (NM_001243247.2); c.961T>G, p.Ser321Ala (NM_001243248.2, NM_001243249.2); short protein forms S167A, S268A, S321A, S346A.
Identifiers: ClinVar variation 3390401 (VCV003390401.1).